The following is an entry in ClinVar:

ClinVar aggregate classification (germline): Likely benign. Review status: criteria provided, multiple submitters, no conflicts (2 of 4 stars). 6 submissions from 6 submitters: Likely benign (3). 3 of the submissions do not count toward it. Last evaluated 2026-01-24.

Conditions:
DRP2-related disorder. Also called: DRP2-related condition.

Allele frequency attached by ClinVar (database versions not stated): gnomAD exomes 0.00093; gnomAD 0.00098; ExAC 0.00101; ESP Exome Variant Server 0.00104; TOPMed 0.00119.

Submissions (6):

Labcorp Genetics (formerly Invitae), Labcorp
Classification: Likely benign. Last evaluated: 2026-01-24. Review status: criteria provided, single submitter. Criteria: Invitae Variant Classification Sherloc (09022015). Collection method: clinical testing. Allele origin: germline.

Women's Health and Genetics/Laboratory Corporation of America, LabCorp
Classification: Likely benign. Last evaluated: 2025-10-28. Review status: criteria provided, single submitter. Criteria: LabCorp Variant Classification Summary - May 2015. Collection method: clinical testing. Allele origin: germline.
Comment: Variant summary: DRP2 c.439G>A (p.Ala147Thr) results in a non-conservative amino acid change in the encoded protein sequence. Algorithms developed to predict the effect of missense changes on protein structure and function are either unavailable or do not agree on the potential impact of this missense change. Several computational tools predict a significant impact on normal splicing: One predict the variant abolishes a 3' acceptor site. Two predict the variant weakens a 3' acceptor site. However, these predictions have yet to be confirmed by functional studies. The variant allele was found at a frequency of 0.00093 in 181406 control chromosomes, predominantly at a frequency of 0.0019 within the Non-Finnish European subpopulation in the gnomAD database, including 1 homozygotes. The observed variant frequency within Non-Finnish European control individuals in the gnomAD database exceeds the estimated maximal expected allele frequency for disease-causing variants in DRP2. To our knowledge, no occurrence of c.439G>A in individuals affected with DRP2-related conditions and no experimental evidence demonstrating its impact on protein function have been reported. ClinVar contains an entry for this variant (Variation ID: 720200). Based on the evidence outlined above, the variant was classified as likely benign.

Breakthrough Genomics
Classification: Likely benign. Review status: criteria provided, single submitter. Criteria: ACMG Guidelines, 2015. Collection method: not provided. Allele origin: germline. Inheritance: Unknown mechanism. Affected: yes.

PreventionGenetics, part of Exact Sciences
Classification: Likely benign for DRP2-related condition. Last evaluated: 2022-02-25. Review status: no assertion criteria provided. Collection method: clinical testing. Allele origin: germline. Not counted in ClinVar's aggregate classification.
Comment: This variant is classified as likely benign based on ACMG/AMP sequence variant interpretation guidelines (Richards et al. 2015 PMID: 25741868, with internal and published modifications).

Clinical Genetics, Academic Medical Center
Classification: Likely benign. Review status: no assertion criteria provided. Collection method: clinical testing. Allele origin: germline. Affected: yes. Study: VKGL Data-share Consensus. Not counted in ClinVar's aggregate classification.

Laboratory of Diagnostic Genome Analysis, Leiden University Medical Center (LUMC)
Classification: Likely benign. Review status: no assertion criteria provided. Collection method: clinical testing. Allele origin: germline. Affected: yes. Study: VKGL Data-share Consensus. Not counted in ClinVar's aggregate classification.

NM_001939.3(DRP2):c.439G>A (p.Ala147Thr)

Gene: DRP2 (dystrophin related protein 2; plus strand). Cytogenetic location: Xq22.1.
Variant type: single nucleotide variant.
Coding change: c.439G>A on transcript NM_001939.3 (MANE Select); coding-DNA position 439, G replaced by A.
Protein change: p.Ala147Thr; replaces alanine 147 with threonine.
Molecular consequence: missense variant.
Genome position (GRCh38, 1-based): chrX:101,238,981, G>A. VCF-style: chrX-101238981-G-A. GRCh37 (hg19) VCF-style: chrX-100493970-G-A.
Other names: c.205G>A, p.Ala69Thr (NM_001171184.2); short protein forms A147T, A69T.
Identifiers: ClinVar variation 720200 (VCV000720200.16), dbSNP rs146304533, ClinGen allele CA10472077.